The following is an entry in ClinVar:

NM_001283009.2(RTEL1):c.3116C>T (p.Pro1039Leu)

Genes: RTEL1 (regulator of telomere elongation helicase 1; plus strand), RTEL1-TNFRSF6B (RTEL1-TNFRSF6B readthrough (NMD candidate); plus strand). Cytogenetic location: 20q13.33.
Variant type: single nucleotide variant.
Coding change: c.3116C>T on transcript NM_001283009.2 (MANE Select); coding-DNA position 3116, C replaced by T.
Protein change: p.Pro1039Leu; replaces proline 1039 with leucine.
Molecular consequence: missense variant. On other transcripts: non-coding transcript variant (1).
Genome position (GRCh38, 1-based): chr20:63,694,747, C>T. VCF-style: chr20-63694747-C-T. GRCh37 (hg19) VCF-style: chr20-62326100-C-T.
Other names: c.2447C>T, p.Pro816Leu (NM_001283010.1); c.3116C>T, p.Pro1039Leu (NM_016434.4); c.3188C>T, p.Pro1063Leu (NM_032957.5); short protein forms P1039L, P1063L, P816L.
Identifiers: ClinVar variation 3791202 (VCV003791202.1).
Genomic context (GRCh38, chr20:63,694,747, plus strand): 5'-GACTCTCAGTCCTCCACCCCAGCGCCACTCTGAGCCATGCTACTCCCACACCAGGAGACC[C>T]TGGCAGCCAACCACAGTGGGGGTCTGGAGTGCCCAGAGCAGGGAAGCAGGGCCAGCACGC-3'
Protein context (NP_001269938.1, residues 1029-1049): LSPRPPPTGD[Pro1039Leu]GSQPQWGSGV

ClinVar aggregate classification (germline): Uncertain significance (1 of 4 stars; one submission).

Conditions:
Inborn genetic diseases. Identifiers: MedGen C0950123, MeSH D030342.

gnomAD v4.1: 6 of 1,603,042 alleles (0.00037%); highest among the groups gnomAD compares: African/African-American, 0.0013%; no homozygotes.

Submission:

Ambry Genetics
Classification: Uncertain significance for Inborn genetic diseases. Last evaluated: 2025-03-05. Review status: criteria provided, single submitter. Criteria: Ambry Variant Classification Scheme 2023. Collection method: clinical testing. Allele origin: germline.
Comment: The p.P1039L variant (also known as c.3116C>T), located in coding exon 31 of the RTEL1 gene, results from a C to T substitution at nucleotide position 3116. The proline at codon 1039 is replaced by leucine, an amino acid with similar properties. This amino acid position is conserved. In addition, this alteration is predicted to be tolerated by in silico analysis. Based on the available evidence, the clinical significance of this variant remains unclear.